The following is an entry in ClinVar:

NM_201548.5(CERKL):c.347C>T (p.Thr116Ile)

Gene: CERKL (CERK like autophagy regulator; minus strand). Cytogenetic location: 2q31.3.
Variant type: single nucleotide variant.
Coding change: c.347C>T on transcript NM_201548.5 (MANE Select); coding-DNA position 347, C replaced by T.
Protein change: p.Thr116Ile; replaces threonine 116 with isoleucine.
Molecular consequence: missense variant. On other transcripts: non-coding transcript variant (2).
Genome position (GRCh38, 1-based): chr2:181,603,971, G>A on the plus strand (C>T on the coding strand, the complement: CERKL is on the minus strand). VCF-style: chr2-181603971-G-A. GRCh37 (hg19) VCF-style: chr2-182468698-G-A.
Other names: c.347C>T (NM_001030311.2); c.347C>T, p.Thr116Ile (NM_001030311.3, NM_001030312.3, NM_001030313.3 and 1 more transcripts); short protein forms T116I.
Identifiers: ClinVar variation 1361634 (VCV001361634.5), dbSNP rs769387813, ClinGen allele CA2010860.

ClinVar aggregate classification (germline): Uncertain significance. Review status: criteria provided, multiple submitters, no conflicts (2 of 4 stars). 3 submissions from 3 submitters: Uncertain significance (3). Last evaluated 2024-08-30.

Conditions:
Inborn genetic diseases. Identifiers: MedGen C0950123, MeSH D030342.

Allele frequency attached by ClinVar (database versions not stated): gnomAD 0.00001; gnomAD exomes 0.00001 and 0.00003; TOPMed 0.00001; ExAC 0.00004.
gnomAD v4.1: 25 of 1,613,150 alleles (0.0015%); highest among the groups gnomAD compares: Middle Eastern, 0.033%; no homozygotes.

Submissions (3):

Blueprint Genetics
Classification: Uncertain significance. Last evaluated: 2024-08-30. Review status: criteria provided, single submitter. Criteria: ACMG Guidelines, 2015. Collection method: clinical testing. Allele origin: germline.

Ambry Genetics
Classification: Uncertain significance for Inborn genetic diseases. Last evaluated: 2024-04-29. Review status: criteria provided, single submitter. Criteria: Ambry Variant Classification Scheme 2023. Collection method: clinical testing. Allele origin: germline.

Labcorp Genetics (formerly Invitae), Labcorp
Classification: Uncertain significance. Last evaluated: 2021-10-10. Review status: criteria provided, single submitter. Criteria: Invitae Variant Classification Sherloc (09022015). Collection method: clinical testing. Allele origin: germline.
Comment: This sequence change replaces threonine with isoleucine at codon 116 of the CERKL protein (p.Thr116Ile). The threonine residue is moderately conserved and there is a moderate physicochemical difference between threonine and isoleucine. This variant is present in population databases (rs769387813, ExAC 0.008%). This variant has not been reported in the literature in individuals with CERKL-related disease. Algorithms developed to predict the effect of missense changes on protein structure and function are either unavailable or do not agree on the potential impact of this missense change (SIFT: "Deleterious"; PolyPhen-2: "Possibly Damaging"; Align-GVGD: "Class C0"). In summary, the available evidence is currently insufficient to determine the role of this variant in disease. Therefore, it has been classified as a Variant of Uncertain Significance.